The following is an entry in ClinVar:

NM_018139.3(DNAAF2):c.2307_2311del (p.Asn769fs)

Gene: DNAAF2 (dynein axonemal assembly factor 2; minus strand). Cytogenetic location: 14q21.3.
Variant type: Deletion.
Coding change: c.2307_2311del on transcript NM_018139.3 (MANE Select); coding-DNA positions 2307 to 2311, 5 bases deleted (CTTAA; older notation c.2307_2311delCTTAA).
Protein change: p.Asn769fs; shifts the reading frame from asparagine 769.
Molecular consequence: frameshift variant.
Genome position (GRCh38, 1-based): chr14:49,625,745-49,625,749, TTAAG deleted on the plus strand (CTTAA on the coding strand, the reverse complement: DNAAF2 is on the minus strand); deleting any 5 consecutive bases within chr14:49,625,745-49,625,752 gives the same sequence; the c. name uses the placement nearest the transcript's 3' end. VCF-style (leftmost placement, unchanged base first): chr14-49625744-TTTAAG-T. GRCh37 (hg19) VCF-style: chr14-50092462-TTTAAG-T.
Other names: c.2163_2167del, p.Asn721fs (NM_001083908.2); c.96_100del, p.Asn32fs (NM_001378453.1); short protein forms N32fs, N721fs, N769fs.
Identifiers: ClinVar variation 2078806 (VCV002078806.2), dbSNP rs759443393, ClinGen allele CA7172727.

ClinVar aggregate classification (germline): Uncertain significance (1 of 4 stars; one submission).

Conditions:
Primary ciliary dyskinesia. Also called: Ciliary dyskinesia. Identifiers: Orphanet 244, MedGen C0008780, MONDO:0016575, HP:0012265.

Submission:

Labcorp Genetics (formerly Invitae), Labcorp
Classification: Uncertain significance for Primary ciliary dyskinesia. Last evaluated: 2023-09-01. Review status: criteria provided, single submitter. Criteria: Invitae Variant Classification Sherloc (09022015). Collection method: clinical testing. Allele origin: germline.
Comment: In summary, the available evidence is currently insufficient to determine the role of this variant in disease. Therefore, it has been classified as a Variant of Uncertain Significance. Experimental studies and prediction algorithms are not available or were not evaluated, and the functional significance of this variant is currently unknown. ClinVar contains an entry for this variant (Variation ID: 2078806). This variant has not been reported in the literature in individuals affected with DNAAF2-related conditions. This variant is present in population databases (rs759443393, gnomAD 0.01%). This sequence change creates a premature translational stop signal (p.Asn769Lysfs*7) in the DNAAF2 gene. While this is not anticipated to result in nonsense mediated decay, it is expected to disrupt the last 69 amino acid(s) of the DNAAF2 protein.